The following is an entry in ClinVar:

NM_145290.4(ADGRA3):c.992G>C (p.Gly331Ala)

Gene: ADGRA3 (adhesion G protein-coupled receptor A3; minus strand). Cytogenetic location: 4p15.2.
Variant type: single nucleotide variant.
Coding change: c.992G>C on transcript NM_145290.4 (MANE Select); coding-DNA position 992, G replaced by C.
Protein change: p.Gly331Ala; replaces glycine 331 with alanine.
Molecular consequence: missense variant.
Genome position (GRCh38, 1-based): chr4:22,438,349, C>G on the plus strand (G>C on the coding strand, the complement: ADGRA3 is on the minus strand). VCF-style: chr4-22438349-C-G. GRCh37 (hg19) VCF-style: chr4-22439972-C-G.
Other names: short protein forms G331A.
Identifiers: ClinVar variation 842160 (VCV000842160.10), dbSNP rs140303157, ClinGen allele CA2874080.
Genomic context (GRCh38, chr4:22,438,349, plus strand): 5'-GGAGGACAGTACTGTGCAGAACTCTCTAATACCACAATATCCACAGTCCTCGTATTATTC[C>G]CACGTTTGGTCTGGACATGACAGCCCCAATTTCCAGTAGATCCAGCCTGAATATTAGAAA-3'
Protein context (NP_660333.2, residues 321-341): NWGCHVQTKR[Gly331Ala]NNTRTVDIVV

ClinVar aggregate classification (germline): Uncertain significance (1 of 4 stars; one submission).

Allele frequency attached by ClinVar (database versions not stated): TOPMed 0.00005; 1000 Genomes Project 0.00020; ExAC 0.00002; gnomAD exomes 0.00005 and 0.00003; ESP Exome Variant Server 0.00015; gnomAD 0.00005; 1000 Genomes Project 30x 0.00016.
gnomAD v4.1: 76 of 1,613,546 alleles (0.0047%); highest among the groups gnomAD compares: Non-Finnish European, 0.0063%; no homozygotes.

Submission:

Labcorp Genetics (formerly Invitae), Labcorp
Classification: Uncertain significance. Last evaluated: 2024-01-08. Review status: criteria provided, single submitter. Criteria: Invitae Variant Classification Sherloc (09022015). Collection method: clinical testing. Allele origin: germline.
Comment: This sequence change replaces glycine, which is neutral and non-polar, with alanine, which is neutral and non-polar, at codon 331 of the ADGRA3 protein (p.Gly331Ala). This variant is present in population databases (rs140303157, gnomAD 0.006%). This variant has not been reported in the literature in individuals affected with ADGRA3-related conditions. ClinVar contains an entry for this variant (Variation ID: 842160). An algorithm developed to predict the effect of missense changes on protein structure and function (PolyPhen-2) suggests that this variant is likely to be disruptive. In summary, the available evidence is currently insufficient to determine the role of this variant in disease. Therefore, it has been classified as a Variant of Uncertain Significance.